The following is an entry in ClinVar:

NM_003680.4(YARS1):c.41T>C (p.Ile14Thr)

Genes: S100PBP (S100P binding protein; plus strand), YARS1 (tyrosyl-tRNA synthetase 1; minus strand). Cytogenetic location: 1p35.1.
Variant type: single nucleotide variant.
Coding change: c.41T>C on transcript NM_003680.4 (MANE Select); coding-DNA position 41, T replaced by C.
Protein change: p.Ile14Thr; replaces isoleucine 14 with threonine.
Molecular consequence: missense variant.
Genome position (GRCh38, 1-based): chr1:32,817,204, A>G on the plus strand (T>C on the coding strand, the complement: YARS1 is on the minus strand). VCF-style: chr1-32817204-A-G. GRCh37 (hg19) VCF-style: chr1-33282805-A-G.
Other names: short protein forms I14T.
Identifiers: ClinVar variation 533457 (VCV000533457.9), dbSNP rs1553127237, ClinGen allele CA339688976.
Genomic context (GRCh38, chr1:32,817,204, plus strand): 5'-GGCTCCTAATCCCCAACGGCGCATTTCCAACCCCCAGGCCTGACCTGCAGGTTCCGGGTG[A>G]TAAGGTGCAGTTTCTCTTCAGGGCTGGGAGCGTCCCCCATGGCTCCGCTACCCCTGCTTC-3'
Protein context (NP_003671.1, residues 4-24): APSPEEKLHL[Ile14Thr]TRNLQEVLGE

ClinVar aggregate classification (germline): Uncertain significance (1 of 4 stars; one submission).

Conditions:
Charcot-Marie-Tooth disease dominant intermediate C (CMTDIC). Also called: CHARCOT-MARIE-TOOTH NEUROPATHY, DOMINANT INTERMEDIATE C. Identifiers: Orphanet 100045, MedGen C1842237, MONDO:0012012, OMIM 608323.

Allele frequency attached by ClinVar (database versions not stated): gnomAD exomes below 0.00001.
gnomAD v4.1: 6 of 1,614,152 alleles (0.00037%); highest among the groups gnomAD compares: Non-Finnish European, 0.00042%; no homozygotes.

Submission:

Labcorp Genetics (formerly Invitae), Labcorp
Classification: Uncertain significance for Charcot-Marie-Tooth disease dominant intermediate C. Last evaluated: 2023-02-14. Review status: criteria provided, single submitter. Criteria: Invitae Variant Classification Sherloc (09022015). Collection method: clinical testing. Allele origin: germline.
Comment: In summary, the available evidence is currently insufficient to determine the role of this variant in disease. Therefore, it has been classified as a Variant of Uncertain Significance. Advanced modeling of protein sequence and biophysical properties (such as structural, functional, and spatial information, amino acid conservation, physicochemical variation, residue mobility, and thermodynamic stability) performed at Invitae indicates that this missense variant is expected to disrupt YARS protein function. ClinVar contains an entry for this variant (Variation ID: 533457). This variant has not been reported in the literature in individuals affected with YARS-related conditions. This variant is not present in population databases (gnomAD no frequency). This sequence change replaces isoleucine, which is neutral and non-polar, with threonine, which is neutral and polar, at codon 14 of the YARS protein (p.Ile14Thr).